The following is an entry in ClinVar:

NM_144687.4(NLRP12):c.2895G>A (p.Leu965=)

Gene: NLRP12 (NLR family pyrin domain containing 12; minus strand). Cytogenetic location: 19q13.42.
Variant type: single nucleotide variant.
Coding change: c.2895G>A on transcript NM_144687.4 (MANE Select); coding-DNA position 2895, G replaced by A.
Protein change: p.Leu965=; no amino-acid change (leucine 965 retained).
Molecular consequence: synonymous variant. On other transcripts: intron variant (1).
Genome position (GRCh38, 1-based): chr19:53,798,275, C>T on the plus strand (G>A on the coding strand, the complement: NLRP12 is on the minus strand). VCF-style: chr19-53798275-C-T. GRCh37 (hg19) VCF-style: chr19-54301529-C-T.
Other names: c.2898G>A, p.Leu966= (NM_001277126.2); c.2757-2246G>A (NM_001277129.1).
Identifiers: ClinVar variation 1077280 (VCV001077280.34), dbSNP rs369220717, ClinGen allele CA9638876.

ClinVar aggregate classification (germline): Likely benign. Review status: criteria provided, multiple submitters, no conflicts (2 of 4 stars). 4 submissions from 4 submitters: Likely benign (4). Last evaluated 2025-03-31.

Conditions:
Familial cold autoinflammatory syndrome 2 (FCAS2). Identifiers: Orphanet 247868, MedGen C2673198, MONDO:0012724, OMIM 611762.

Allele frequency attached by ClinVar (database versions not stated): gnomAD exomes below 0.00001 and 0.00002; ExAC 0.00002; TOPMed 0.00007; ESP Exome Variant Server 0.00008; gnomAD 0.00012 and 0.00013.
gnomAD v4.1: 24 of 1,614,068 alleles (0.0015%); highest among the groups gnomAD compares: African/African-American, 0.031%; no homozygotes.

Submissions (4):

Labcorp Genetics (formerly Invitae), Labcorp
Classification: Likely benign for Familial cold autoinflammatory syndrome 2. Last evaluated: 2025-03-31. Review status: criteria provided, single submitter. Criteria: Invitae Variant Classification Sherloc (09022015). Collection method: clinical testing. Allele origin: germline.

CeGaT Center for Human Genetics Tuebingen
Classification: Likely benign. Last evaluated: 2024-12-01. Review status: criteria provided, single submitter. Criteria: CeGaT Center For Human Genetics Tuebingen Variant Classification Criteria Version 2. Collection method: clinical testing. Allele origin: germline. Affected: yes. Observed: 1 variant allele.
Comment: NLRP12: BP4, BP7

Blueprint Genetics
Classification: Likely benign. Last evaluated: 2024-07-19. Review status: criteria provided, single submitter. Criteria: ACMG Guidelines, 2015. Collection method: clinical testing. Allele origin: germline.

ARUP Laboratories, Molecular Genetics and Genomics, ARUP Laboratories
Classification: Likely benign for Familial cold autoinflammatory syndrome 2. Last evaluated: 2021-01-20. Review status: criteria provided, single submitter. Criteria: ARUP Molecular Germline Variant Investigation Process 2021. Collection method: clinical testing. Allele origin: germline.